The following is an entry in ClinVar:

NM_001385012.1(NBEA):c.5833T>C (p.Ser1945Pro)

Gene: NBEA (neurobeachin; plus strand). Cytogenetic location: 13q13.3.
Variant type: single nucleotide variant.
Coding change: c.5833T>C on transcript NM_001385012.1 (MANE Select); coding-DNA position 5833, T replaced by C.
Protein change: p.Ser1945Pro; replaces serine 1945 with proline.
Molecular consequence: missense variant.
Genome position (GRCh38, 1-based): chr13:35,290,445, T>C. VCF-style: chr13-35290445-T-C. GRCh37 (hg19) VCF-style: chr13-35864582-T-C.
Other names: c.5824T>C, p.Ser1942Pro (NM_001379245.1); c.5833T>C, p.Ser1945Pro (NM_015678.5); short protein forms S1942P, S1945P.
Identifiers: ClinVar variation 4819073 (VCV004819073.1).

ClinVar aggregate classification (germline): Uncertain significance (1 of 4 stars; one submission).

Conditions:
Neurodevelopmental disorder with or without early-onset generalized epilepsy. Identifiers: MedGen C5436914, MONDO:0030930, OMIM 619157.

Submission:

Victorian Clinical Genetics Services, Murdoch Childrens Research Institute
Classification: Uncertain significance for Neurodevelopmental disorder with or without early-onset generalized epilepsy. Last evaluated: 2025-11-23. Review status: criteria provided, single submitter. Criteria: ACMG Guidelines, 2015. Collection method: clinical testing. Allele origin: germline. Affected: yes.
Comment: This variant is classified as VUS-3A. Evidence in support of pathogenic classification: Variant is absent from gnomAD (v2, v3 and v4); Missense variant in a region that is highly intolerant to missense variation (high constraint region in DECIPHER). Additional information: Variant is predicted to result in a missense amino acid change from Ser to Pro; This variant is heterozygous; This gene is associated with autosomal dominant disease; This variant has no previous evidence of pathogenicity; No published evidence of segregation with disease has been identified for this variant; No published functional evidence has been identified for this variant; No comparable missense variants have previous evidence for pathogenicity; Missense variant with inconclusive in silico prediction and/or uninformative conservation; Loss of function is a known mechanism of disease in this gene and is associated with neurodevelopmental disorder with or without early-onset generalised epilepsy (MIM#619157); Inheritance information for this variant is not currently available in this individual.